The following is an entry in ClinVar:

NM_000094.4(COL7A1):c.4883G>C (p.Gly1628Ala)

Gene: COL7A1 (collagen type VII alpha 1 chain; minus strand). Cytogenetic location: 3p21.31.
Variant type: single nucleotide variant.
Coding change: c.4883G>C on transcript NM_000094.4 (MANE Select); coding-DNA position 4883, G replaced by C.
Protein change: p.Gly1628Ala; replaces glycine 1628 with alanine.
Molecular consequence: missense variant.
Genome position (GRCh38, 1-based): chr3:48,581,276, C>G on the plus strand (G>C on the coding strand, the complement: COL7A1 is on the minus strand). VCF-style: chr3-48581276-C-G. GRCh37 (hg19) VCF-style: chr3-48618709-C-G.
Other names: short protein forms G1628A.
Identifiers: ClinVar variation 1988492 (VCV001988492.4), dbSNP rs756875260, ClinGen allele CA2379803.

ClinVar aggregate classification (germline): Uncertain significance (1 of 4 stars; one submission).

Allele frequency attached by ClinVar (database versions not stated): TOPMed below 0.00001; ExAC 0.00001.

Submission:

Labcorp Genetics (formerly Invitae), Labcorp
Classification: Uncertain significance. Last evaluated: 2022-11-08. Review status: criteria provided, single submitter. Criteria: Invitae Variant Classification Sherloc (09022015). Collection method: clinical testing. Allele origin: germline.
Comment: In summary, the available evidence is currently insufficient to determine the role of this variant in disease. Therefore, it has been classified as a Variant of Uncertain Significance. This variant disrupts the triple helix domain of COL7A1. Glycine residues within the Gly-Xaa-Yaa repeats of the triple helix domain are required for the structure and stability of fibrillar collagens (PMID: 7695699, 8218237, 19344236), and variants at these glycine residues in COL7A1 are more frequently observed in individuals with disease than in the general population (PMID: 22058051). However, the clinical significance of this observation remains uncertain since only a limited number of affected individuals have been described to date. Advanced modeling of protein sequence and biophysical properties (such as structural, functional, and spatial information, amino acid conservation, physicochemical variation, residue mobility, and thermodynamic stability) performed at Invitae indicates that this missense variant is expected to disrupt COL7A1 protein function. This variant has not been reported in the literature in individuals affected with COL7A1-related conditions. This variant is present in population databases (rs756875260, gnomAD 0.007%). This sequence change replaces glycine, which is neutral and non-polar, with alanine, which is neutral and non-polar, at codon 1628 of the COL7A1 protein (p.Gly1628Ala).

Literature cited by the submitters: PubMed 7695699; PubMed 8218237; PubMed 19344236; PubMed 22058051.